The following is an entry in ClinVar:

NM_001942.4(DSG1):c.110G>T (p.Gly37Val)

Gene: DSG1 (desmoglein 1; plus strand). Cytogenetic location: 18q12.1.
Variant type: single nucleotide variant.
Coding change: c.110G>T on transcript NM_001942.4 (MANE Select); coding-DNA position 110, G replaced by T.
Protein change: p.Gly37Val; replaces glycine 37 with valine.
Molecular consequence: missense variant.
Genome position (GRCh38, 1-based): chr18:31,326,899, G>T. VCF-style: chr18-31326899-G-T. GRCh37 (hg19) VCF-style: chr18-28906862-G-T.
Other names: short protein forms G37V.
Identifiers: ClinVar variation 4748436 (VCV004748436.1).

ClinVar aggregate classification (germline): Uncertain significance (1 of 4 stars; one submission).

gnomAD v4.1: 3 of 1,613,468 alleles (0.00019%); highest among the groups gnomAD compares: African/African-American, 0.0027%; no homozygotes.

Submission:

Labcorp Genetics (formerly Invitae), Labcorp
Classification: Uncertain significance. Last evaluated: 2025-09-04. Review status: criteria provided, single submitter. Criteria: Invitae Variant Classification Sherloc (09022015). Collection method: clinical testing. Allele origin: germline.
Comment: This sequence change replaces glycine, which is neutral and non-polar, with valine, which is neutral and non-polar, at codon 37 of the DSG1 protein (p.Gly37Val). This variant is not present in population databases (gnomAD no frequency). This variant has not been reported in the literature in individuals affected with DSG1-related conditions. Invitae Evidence Modeling of protein sequence and biophysical properties (such as structural, functional, and spatial information, amino acid conservation, physicochemical variation, residue mobility, and thermodynamic stability) indicates that this missense variant is not expected to disrupt DSG1 protein function with a negative predictive value of 80%. In summary, the available evidence is currently insufficient to determine the role of this variant in disease. Therefore, it has been classified as a Variant of Uncertain Significance.